The following is an entry in ClinVar:

NM_005732.4(RAD50):c.3655G>A (p.Glu1219Lys)

Genes: TH2LCRR (T helper type 2 locus control region associated RNA; minus strand), RAD50 (RAD50 double strand break repair protein; plus strand), TH2-LCR (Th2 cytokine locus control region; plus strand). Cytogenetic location: 5q31.1.
Variant type: single nucleotide variant.
Coding change: c.3655G>A on transcript NM_005732.4 (MANE Select); coding-DNA position 3655, G replaced by A.
Protein change: p.Glu1219Lys; replaces glutamic acid 1219 with lysine.
Molecular consequence: missense variant.
Genome position (GRCh38, 1-based): chr5:132,640,708, G>A. VCF-style: chr5-132640708-G-A. GRCh37 (hg19) VCF-style: chr5-131976400-G-A.
Other names: short protein forms E1219K.
Identifiers: ClinVar variation 141200 (VCV000141200.16), dbSNP rs587781569, ClinGen allele CA164752.

ClinVar aggregate classification (germline): Uncertain significance. Review status: criteria provided, multiple submitters, no conflicts (2 of 4 stars). 2 submissions from 2 submitters: Uncertain significance (2). Last evaluated 2024-05-25.

Conditions:
Hereditary cancer-predisposing syndrome. Also called: Neoplastic Syndromes, Hereditary; Tumor predisposition; Hereditary Cancer Syndrome; Hereditary neoplastic syndrome. Identifiers: Orphanet 140162, MedGen C0027672, MeSH D009386, MONDO:0015356.

Submissions (2):

Labcorp Genetics (formerly Invitae), Labcorp
Classification: Uncertain significance for Hereditary cancer-predisposing syndrome. Last evaluated: 2024-05-25. Review status: criteria provided, single submitter. Criteria: Invitae Variant Classification Sherloc (09022015). Collection method: clinical testing. Allele origin: germline.
Comment: This sequence change replaces glutamic acid, which is acidic and polar, with lysine, which is basic and polar, at codon 1219 of the RAD50 protein (p.Glu1219Lys). This variant is not present in population databases (gnomAD no frequency). This variant has not been reported in the literature in individuals affected with RAD50-related conditions. ClinVar contains an entry for this variant (Variation ID: 141200). Advanced modeling of protein sequence and biophysical properties (such as structural, functional, and spatial information, amino acid conservation, physicochemical variation, residue mobility, and thermodynamic stability) performed at Invitae indicates that this missense variant is expected to disrupt RAD50 protein function with a positive predictive value of 80%. In summary, the available evidence is currently insufficient to determine the role of this variant in disease. Therefore, it has been classified as a Variant of Uncertain Significance.

Ambry Genetics
Classification: Uncertain significance for Hereditary cancer-predisposing syndrome. Last evaluated: 2015-12-21. Review status: criteria provided, single submitter. Criteria: Ambry Variant Classification Scheme 2023. Collection method: clinical testing. Allele origin: germline.
Comment: The p.E1219K variant (also known as c.3655G>A) is located in coding exon 24 of the RAD50 gene. This alteration results from a G to A substitution at nucleotide position 3655. The glutamic acid at codon 1219 is replaced by lysine, an amino acid with similar properties. This variant was not reported in population-based cohorts in the following databases: Database of Single Nucleotide Polymorphisms (dbSNP), NHLBI Exome Sequencing Project (ESP) and 1000 Genomes Project. To date, this alteration has been detected with an allele frequency of approximately 0.002% (greater than 120000 alleles tested) in our clinical cohort. Based on protein sequence alignment, this amino acid position is highly conserved in available vertebrate species. In addition, this alteration is predicted to be deleterious by in silico analysis. Since supporting evidence is limited at this time, the clinical significance of this variant remains unclear.